The following is an entry in ClinVar:

NM_004933.3(CDH15):c.1236C>T (p.Tyr412=)

Gene: CDH15 (cadherin 15; plus strand). Cytogenetic location: 16q24.3.
Variant type: single nucleotide variant.
Coding change: c.1236C>T on transcript NM_004933.3 (MANE Select); coding-DNA position 1236, C replaced by T.
Protein change: p.Tyr412=; no amino-acid change (tyrosine 412 retained).
Molecular consequence: synonymous variant.
Genome position (GRCh38, 1-based): chr16:89,191,333, C>T. VCF-style: chr16-89191333-C-T. GRCh37 (hg19) VCF-style: chr16-89257741-C-T.
Identifiers: ClinVar variation 2647032 (VCV002647032.24), dbSNP rs188795327, ClinGen allele CA8239207.

ClinVar aggregate classification (germline): Likely benign (1 of 4 stars; one submission).

Allele frequency attached by ClinVar (database versions not stated): gnomAD exomes 0.00007; gnomAD 0.00011; ExAC 0.00017; 1000 Genomes Project 0.00040; 1000 Genomes Project 30x 0.00047.
gnomAD v4.1: 115 of 1,612,822 alleles (0.0071%); highest among the groups gnomAD compares: East Asian, 0.25%; no homozygotes.

Submission:

CeGaT Center for Human Genetics Tuebingen
Classification: Likely benign. Last evaluated: 2023-04-01. Review status: criteria provided, single submitter. Criteria: CeGaT Center For Human Genetics Tuebingen Variant Classification Criteria Version 2. Collection method: clinical testing. Allele origin: germline. Affected: yes. Observed: 1 variant allele.
Comment: CDH15: BP4, BP7